The following is an entry in ClinVar:

ClinVar aggregate classification (germline): Uncertain significance (1 of 4 stars; one submission).

Allele frequency attached by ClinVar (database versions not stated): gnomAD exomes below 0.00001.
gnomAD v4.1: 1 of 1,599,782 alleles (0.000063%); highest among the groups gnomAD compares: African/African-American, 0.0013%; no homozygotes.

Submission:

Labcorp Genetics (formerly Invitae), Labcorp
Classification: Uncertain significance. Last evaluated: 2022-09-06. Review status: criteria provided, single submitter. Criteria: Invitae Variant Classification Sherloc (09022015). Collection method: clinical testing. Allele origin: germline.
Comment: This sequence change replaces glutamic acid, which is acidic and polar, with lysine, which is basic and polar, at codon 1494 of the ABCA4 protein (p.Glu1494Lys). This variant is not present in population databases (gnomAD no frequency). This variant has not been reported in the literature in individuals affected with ABCA4-related conditions. ClinVar contains an entry for this variant (Variation ID: 1471117). Advanced modeling of protein sequence and biophysical properties (such as structural, functional, and spatial information, amino acid conservation, physicochemical variation, residue mobility, and thermodynamic stability) performed at Invitae indicates that this missense variant is not expected to disrupt ABCA4 protein function. In summary, the available evidence is currently insufficient to determine the role of this variant in disease. Therefore, it has been classified as a Variant of Uncertain Significance.

NM_000350.3(ABCA4):c.4480G>A (p.Glu1494Lys)

Gene: ABCA4 (ATP binding cassette subfamily A member 4; minus strand). Cytogenetic location: 1p22.1.
Variant type: single nucleotide variant.
Coding change: c.4480G>A on transcript NM_000350.3 (MANE Select); coding-DNA position 4480, G replaced by A.
Protein change: p.Glu1494Lys; replaces glutamic acid 1494 with lysine.
Molecular consequence: missense variant.
Genome position (GRCh38, 1-based): chr1:94,029,504, C>T on the plus strand (G>A on the coding strand, the complement: ABCA4 is on the minus strand). VCF-style: chr1-94029504-C-T. GRCh37 (hg19) VCF-style: chr1-94495060-C-T.
Other names: c.4258G>A, p.Glu1420Lys (NM_001425324.1); short protein forms E1494K, E1420K.
Identifiers: ClinVar variation 1471117 (VCV001471117.3), dbSNP rs745454563, ClinGen allele CA26853503.